The following is an entry in ClinVar:

ClinVar aggregate classification (germline): Uncertain significance. Review status: criteria provided, multiple submitters, no conflicts (2 of 4 stars). 6 submissions from 6 submitters: Uncertain significance (6). Last evaluated 2026-06-10.

Conditions:
Plasminogen deficiency, type I. Also called: Type 1 plasminogen deficiency; Hypoplasminogenemia. Identifiers: Orphanet 722, MedGen C1968804, MONDO:0009009, OMIM 217090.
Angioedema, hereditary, 4. Identifiers: MedGen C5543503, MONDO:0025712, OMIM 619360.

Allele frequency attached by ClinVar (database versions not stated): gnomAD exomes 0.00016 and 0.00034; TOPMed 0.00021; gnomAD 0.00022; ExAC 0.00027; ESP Exome Variant Server 0.00046.
gnomAD v4.1: 287 of 1,613,146 alleles (0.018%); highest among the groups gnomAD compares: Middle Eastern, 0.099%; no homozygotes.

Submissions (6):

Women's Health and Genetics/Laboratory Corporation of America, LabCorp
Classification: Uncertain significance. Last evaluated: 2026-06-10. Review status: criteria provided, single submitter. Criteria: LabCorp Variant Classification Summary - May 2015. Collection method: clinical testing. Allele origin: germline.
Comment: Variant summary: PLG c.2134G>A (p.Gly712Arg) results in a non-conservative amino acid change located in the Serine proteases, trypsin domain (IPR001254) of the encoded protein sequence. Algorithms developed to predict the effect of missense changes on protein structure and function are either unavailable or do not agree on the potential impact of this missense change. The variant allele was found at a frequency of 0.00034 in 251100 control chromosomes. This frequency is not significantly higher than estimated for disease-causing variants in PLG, allowing no conclusion about variant significance.c.2134G>A has been observed in individuals affected with Plasminogen Deficiency (Tefs_2003, Martin-Fernandez_2016). These data do not allow any conclusion about variant significance. To our knowledge, no experimental evidence demonstrating an impact on protein function has been reported. The following publications have been ascertained in the context of this evaluation (PMID: 12945885, 24029428, 27976734). ClinVar contains an entry for this variant (Variation ID: 810036). Based on the evidence outlined above, the variant was classified as uncertain significance.

Labcorp Genetics (formerly Invitae), Labcorp
Classification: Uncertain significance. Last evaluated: 2026-01-28. Review status: criteria provided, single submitter. Criteria: Invitae Variant Classification Sherloc (09022015). Collection method: clinical testing. Allele origin: germline.
Comment: This sequence change replaces glycine, which is neutral and non-polar, with arginine, which is basic and polar, at codon 712 of the PLG protein (p.Gly712Arg). This variant is present in population databases (rs202074006, gnomAD 0.6%). This missense change has been observed in individual(s) with dysplasminogenemia (PMID: 12945885, 15269832, 27976734). This variant is also known as G693R. ClinVar contains an entry for this variant (Variation ID: 810036). Invitae Evidence Modeling of protein sequence and biophysical properties (such as structural, functional, and spatial information, amino acid conservation, physicochemical variation, residue mobility, and thermodynamic stability) indicates that this missense variant is not expected to disrupt PLG protein function with a negative predictive value of 80%. In summary, the available evidence is currently insufficient to determine the role of this variant in disease. Therefore, it has been classified as a Variant of Uncertain Significance.

Fulgent Genetics
Classification: Uncertain significance for Plasminogen deficiency, type I; Angioedema, hereditary, 4. Last evaluated: 2024-02-28. Review status: criteria provided, single submitter. Criteria: ACMG Guidelines, 2015. Collection method: clinical testing. Allele origin: germline.

Department of Pathology and Laboratory Medicine, Sinai Health System
Classification: Uncertain significance for Plasminogen deficiency, type I; Angioedema, hereditary, 4. Last evaluated: 2023-01-31. Review status: criteria provided, single submitter. Criteria: ACMG Guidelines, 2015. Collection method: research. Allele origin: germline.

CeGaT Center for Human Genetics Tuebingen
Classification: Uncertain significance. Last evaluated: 2017-02-01. Review status: criteria provided, single submitter. Criteria: CeGaT Center For Human Genetics Tuebingen Variant Classification Criteria Version 2. Collection method: clinical testing. Allele origin: germline. Affected: yes. Observed: 1 variant allele.

Breakthrough Genomics
Classification: Uncertain significance. Review status: criteria provided, single submitter. Criteria: ACMG Guidelines, 2015. Collection method: not provided. Allele origin: germline. Inheritance: Autosomal recessive inheritance. Affected: yes.

Literature cited by the submitters: PubMed 27976734 (cited by Women's Health and Genetics/Laboratory Corporation of America, LabCorp and Labcorp Genetics (formerly Invitae), Labcorp); PubMed 24029428 (cited by Women's Health and Genetics/Laboratory Corporation of America, LabCorp); PubMed 12945885 (cited by Women's Health and Genetics/Laboratory Corporation of America, LabCorp and Labcorp Genetics (formerly Invitae), Labcorp); PubMed 15269832 (cited by Labcorp Genetics (formerly Invitae), Labcorp).

NM_000301.5(PLG):c.2134G>A (p.Gly712Arg)

Gene: PLG (plasminogen; plus strand). Cytogenetic location: 6q26.
Variant type: single nucleotide variant.
Coding change: c.2134G>A on transcript NM_000301.5 (MANE Select); coding-DNA position 2134, G replaced by A.
Protein change: p.Gly712Arg; replaces glycine 712 with arginine.
Molecular consequence: missense variant.
Genome position (GRCh38, 1-based): chr6:160,752,123, G>A. VCF-style: chr6-160752123-G-A. GRCh37 (hg19) VCF-style: chr6-161173155-G-A.
Other names: short protein forms G712R.
Identifiers: ClinVar variation 810036 (VCV000810036.52), dbSNP rs202074006, ClinGen allele CA4088016.